The following is an entry in ClinVar:

ClinVar aggregate classification (germline): Uncertain significance. Review status: criteria provided, multiple submitters, no conflicts (2 of 4 stars). 3 submissions from 3 submitters: Uncertain significance (3). Last evaluated 2022-11-09.

Conditions:
Bethlem myopathy 1A. Also called: MYOPATHY, BENIGN CONGENITAL, WITH CONTRACTURES; Bethlem myopathy 1; Bethlem Muscular Dystrophy. Identifiers: Orphanet 610, MedGen CN029274, MONDO:0024530, OMIM 158810.

Allele frequency attached by ClinVar (database versions not stated): gnomAD 0.00001; gnomAD exomes below 0.00001; TOPMed below 0.00001.
gnomAD v4.1: 4 of 1,591,230 alleles (0.00025%); highest among the groups gnomAD compares: African/African-American, 0.0013%; no homozygotes.

Submissions (3):

Women's Health and Genetics/Laboratory Corporation of America, LabCorp
Classification: Uncertain significance. Last evaluated: 2022-11-09. Review status: criteria provided, single submitter. Criteria: LabCorp Variant Classification Summary - May 2015. Collection method: clinical testing. Allele origin: germline.
Comment: Variant summary: COL6A1 c.2188G>A (p.Gly730Arg) results in a non-conservative amino acid change located in the von Willebrand factor, type A domain (IPR002035) of the encoded protein sequence. Five of five in-silico tools predict a damaging effect of the variant on protein function. The variant was absent in 204798 control chromosomes (gnomAD). The available data on variant occurrences in the general population are insufficient to allow any conclusion about variant significance. To our knowledge, no occurrence of c.2188G>A in individuals affected with Collagen Type VI-Related Disorders and no experimental evidence demonstrating its impact on protein function have been reported. One ClinVar submitter has assessed the variant since 2014: the variant was classified as uncertain significance. Based on the evidence outlined above, the variant was classified as uncertain significance.

Labcorp Genetics (formerly Invitae), Labcorp
Classification: Uncertain significance for Bethlem myopathy 1A. Last evaluated: 2022-06-20. Review status: criteria provided, single submitter. Criteria: Invitae Variant Classification Sherloc (09022015). Collection method: clinical testing. Allele origin: germline.
Comment: This variant has not been reported in the literature in individuals affected with COL6A1-related conditions. Advanced modeling of protein sequence and biophysical properties (such as structural, functional, and spatial information, amino acid conservation, physicochemical variation, residue mobility, and thermodynamic stability) performed at Invitae indicates that this missense variant is expected to disrupt COL6A1 protein function. Algorithms developed to predict the effect of sequence changes on RNA splicing suggest that this variant may create or strengthen a splice site. In summary, the available evidence is currently insufficient to determine the role of this variant in disease. Therefore, it has been classified as a Variant of Uncertain Significance. This variant is not present in population databases (gnomAD no frequency). This sequence change replaces glycine, which is neutral and non-polar, with arginine, which is basic and polar, at codon 730 of the COL6A1 protein (p.Gly730Arg).

Clinical Genetics Laboratory, Skane University Hospital Lund
Classification: Uncertain significance. Last evaluated: 2022-05-27. Review status: criteria provided, single submitter. Criteria: ACMG Guidelines, 2015. Collection method: clinical testing. Allele origin: germline. Affected: yes.

NM_001848.3(COL6A1):c.2188G>A (p.Gly730Arg)

Gene: COL6A1 (collagen type VI alpha 1 chain; plus strand). Cytogenetic location: 21q22.3.
Variant type: single nucleotide variant.
Coding change: c.2188G>A on transcript NM_001848.3 (MANE Select); coding-DNA position 2188, G replaced by A.
Protein change: p.Gly730Arg; replaces glycine 730 with arginine.
Molecular consequence: missense variant.
Genome position (GRCh38, 1-based): chr21:46,002,339, G>A. VCF-style: chr21-46002339-G-A. GRCh37 (hg19) VCF-style: chr21-47422253-G-A.
Other names: short protein forms G730R.
Identifiers: ClinVar variation 1512457 (VCV001512457.8), dbSNP rs1297620940, ClinGen allele CA410535537.